The following is an entry in ClinVar:

NM_001001344.3(ATP2B3):c.3051+5G>C

Gene: ATP2B3 (ATPase plasma membrane Ca2+ transporting 3; plus strand). Cytogenetic location: Xq28.
Variant type: single nucleotide variant.
Coding change: c.3051+5G>C on transcript NM_001001344.3 (MANE Select); 5 bases into the intron after coding-DNA position 3051, G replaced by C.
Molecular consequence: intron variant.
Genome position (GRCh38, 1-based): chrX:153,560,892, G>C. VCF-style: chrX-153560892-G-C. GRCh37 (hg19) VCF-style: chrX-152826350-G-C.
Other names: c.3051+5G>C (NM_021949.4, NM_001388360.1, NM_001388361.1 and 1 more transcripts); c.3009+5G>C (NM_001410708.1).
Identifiers: ClinVar variation 2628928 (VCV002628928.2), dbSNP rs782565656, ClinGen allele CA10548105.
Genomic context (GRCh38, chrX:153,560,892, plus strand): 5'-GCATCTTCAGCAACCCCATCTTCTGCACCATCGTTTTGGGCACTTTCGGGATTCAGGTAG[G>C]AGGGGCGGCTCCACTCTTGGCCTCTGCCACTTGCAAAAAGTGGAGGTGGTGGGCTTCAAG-3'

ClinVar aggregate classification (germline): Uncertain significance (1 of 4 stars; one submission).

Conditions:
ATP2B3-related disorder. Also called: ATP2B3-related condition.

Allele frequency attached by ClinVar (database versions not stated): gnomAD exomes 0.00001; ExAC 0.00002.

Submission:

PreventionGenetics, part of Exact Sciences
Classification: Uncertain significance for ATP2B3-related condition. Last evaluated: 2025-05-23. Review status: criteria provided, single submitter. Criteria: ACMG Guidelines, 2015. Collection method: clinical testing. Allele origin: germline.
Comment: The ATP2B3 c.3051+5G>C variant is predicted to interfere with splicing. To our knowledge, this variant has not been reported in the literature. This variant is reported in 0.0012% of alleles in individuals of European (Non-Finnish) descent in gnomAD, including one hemizygous individual. At this time, the clinical significance of this variant is uncertain due to the absence of conclusive functional and genetic evidence.